The following is an entry in ClinVar:

NM_000083.3(CLCN1):c.1445G>A (p.Gly482Glu)

Gene: CLCN1 (chloride voltage-gated channel 1; plus strand). Cytogenetic location: 7q34.
Variant type: single nucleotide variant.
Coding change: c.1445G>A on transcript NM_000083.3 (MANE Select); coding-DNA position 1445, G replaced by A.
Protein change: p.Gly482Glu; replaces glycine 482 with glutamic acid.
Molecular consequence: missense variant. On other transcripts: non-coding transcript variant (1).
Genome position (GRCh38, 1-based): chr7:143,339,296, G>A. VCF-style: chr7-143339296-G-A. GRCh37 (hg19) VCF-style: chr7-143036389-G-A.
Other names: short protein forms G482E.
Identifiers: ClinVar variation 565939 (VCV000565939.15), dbSNP rs1380726444, ClinGen allele CA369645384.
Genomic context (GRCh38, chr7:143,339,296, plus strand): 5'-GCTTCTTTCTACTCCAGTTCTGGATGTCCATCGTGGCCACCACTATGCCCATACCCTGCG[G>A]AGGCTTCATGCCTGTGTTTGTGCTAGGTAAGTTCTGATGGGAAGCCTGGGGTCTGACTGA-3'
Protein context (NP_000074.3, residues 472-492): IVATTMPIPC[Gly482Glu]GFMPVFVLGA

ClinVar aggregate classification (germline): Conflicting classifications of pathogenicity. Review status: criteria provided, conflicting classifications (1 of 4 stars). 4 submissions from 4 submitters: Pathogenic (1); Likely pathogenic (1); Uncertain significance (2). Last evaluated 2024-06-25.

Conditions:
Congenital myotonia, autosomal recessive form. Also called: Becker Generalized Myotonia; BECKER DISEASE; myotonia congenita, autosomal recessive. Identifiers: Orphanet 614, MedGen C0751360, MONDO:0009715, OMIM 255700.
Congenital myotonia, autosomal dominant form (THD). Also called: THOMSEN DISEASE; Myotonia congenita autosomal dominant. Identifiers: Orphanet 614, MedGen C2936781, MONDO:0008055, OMIM 160800.

Allele frequency attached by ClinVar (database versions not stated): gnomAD exomes below 0.00001.
gnomAD v4.1: 1 of 1,613,172 alleles (0.000062%); highest among the groups gnomAD compares: Non-Finnish European, 0.000085%; no homozygotes.

Submissions (4):

Labcorp Genetics (formerly Invitae), Labcorp
Classification: Pathogenic for Congenital myotonia, autosomal recessive form; Congenital myotonia, autosomal dominant form. Last evaluated: 2024-06-25. Review status: criteria provided, single submitter. Criteria: Invitae Variant Classification Sherloc (09022015). Collection method: clinical testing. Allele origin: germline.
Comment: This sequence change replaces glycine, which is neutral and non-polar, with glutamic acid, which is acidic and polar, at codon 482 of the CLCN1 protein (p.Gly482Glu). This variant is present in population databases (no rsID available, gnomAD 0.0009%). This missense change has been observed in individual(s) with autosomal recessive myotonia congenita and/or nondystrophic myotonia (PMID: 24349310, 33263785; Invitae). In at least one individual the data is consistent with being in trans (on the opposite chromosome) from a pathogenic variant. ClinVar contains an entry for this variant (Variation ID: 565939). Advanced modeling of protein sequence and biophysical properties (such as structural, functional, and spatial information, amino acid conservation, physicochemical variation, residue mobility, and thermodynamic stability) performed at Invitae indicates that this missense variant is expected to disrupt CLCN1 protein function with a positive predictive value of 95%. This variant disrupts the p.Gly482 amino acid residue in CLCN1. Other variant(s) that disrupt this residue have been determined to be pathogenic (PMID: 22346025, 25065301; Invitae). This suggests that this residue is clinically significant, and that variants that disrupt this residue are likely to be disease-causing. For these reasons, this variant has been classified as Pathogenic.

GeneDx
Classification: Likely pathogenic. Last evaluated: 2023-09-28. Review status: criteria provided, single submitter. Criteria: GeneDx Variant Classification Process June 2021. Collection method: clinical testing. Allele origin: germline. Affected: yes.
Comment: Observed in unrelated individuals with myotonia congenita as heterozygous, homozygous, and/or with a second CLCN1 variant (Vereb et al., 2021; Gilitwala et al., 2023; Sklov et al., 2013); Not observed at significant frequency in large population cohorts (gnomAD); In silico analysis supports that this missense variant has a deleterious effect on protein structure/function; This variant is associated with the following publications: (PMID: 24349310, 37489215, 33263785)

Athena Diagnostics
Classification: Uncertain significance. Last evaluated: 2023-01-10. Review status: criteria provided, single submitter. Criteria: Athena Diagnostics Criteria. Collection method: clinical testing. Allele origin: unknown.
Comment: Available data are insufficient to determine the clinical significance of the variant at this time. The frequency of this variant in the general population is uninformative in assessment of its pathogenicity. This variant has been identified in at least one individual with apparently autosomal dominant myotonia congenita (PMID: 33263785) and at least one individual with clinical features consistent with autosomal recessive myotonia congenita. At least one other missense variant at this codon is considered to be pathogenic or likely pathogenic, suggesting this variant may also cause disease. Computational tools predict that this variant is damaging.

Revvity Omics, Revvity
Classification: Uncertain significance. Last evaluated: 2020-02-10. Review status: criteria provided, single submitter. Criteria: ACMG Guidelines, 2015. Collection method: clinical testing. Allele origin: germline.

Literature cited by the submitters: PubMed 24349310 (cited by Labcorp Genetics (formerly Invitae), Labcorp and Athena Diagnostics); PubMed 33263785 (cited by Labcorp Genetics (formerly Invitae), Labcorp and Athena Diagnostics); PubMed 22346025 (cited by Labcorp Genetics (formerly Invitae), Labcorp); PubMed 25065301 (cited by Labcorp Genetics (formerly Invitae), Labcorp).